The following is an entry in ClinVar:

NM_018986.5(SH3TC1):c.3210G>A (p.Ala1070=)

Gene: SH3TC1 (SH3 domain and tetratricopeptide repeats 1; plus strand). Cytogenetic location: 4p16.1.
Variant type: single nucleotide variant.
Coding change: c.3210G>A on transcript NM_018986.5 (MANE Select); coding-DNA position 3210, G replaced by A.
Protein change: p.Ala1070=; no amino-acid change (alanine 1070 retained).
Molecular consequence: synonymous variant. On other transcripts: non-coding transcript variant (1).
Genome position (GRCh38, 1-based): chr4:8,233,441, G>A. VCF-style: chr4-8233441-G-A. GRCh37 (hg19) VCF-style: chr4-8235168-G-A.
Other names: c.2982G>A, p.Ala994= (NM_001318480.2); c.3129G>A, p.Ala1043= (NM_001410712.1).
Identifiers: ClinVar variation 2654652 (VCV002654652.24), dbSNP rs139525849, ClinGen allele CA2849970.
Genomic context (GRCh38, chr4:8,233,441, plus strand): 5'-GGACTACACCAAACGAAGTCTGGGGATTTTCATTGACCTCCAGAAGAAAGAGAAGGAGGC[G>A]CATGCCTGGCTGCAAGCAGGGAAGATCTATTACATCTTGCGGCAGAGCGAGCTGGTGGAC-3'
Protein context (NP_061859.4, residues 1060-1080): FIDLQKKEKE[Ala1070=]HAWLQAGKIY

ClinVar aggregate classification (germline): Likely benign (1 of 4 stars; one submission).

Allele frequency attached by ClinVar (database versions not stated): gnomAD 0.00026; TOPMed 0.00028; ESP Exome Variant Server 0.00038; ExAC 0.00042; gnomAD exomes 0.00042.
gnomAD v4.1: 641 of 1,613,754 alleles (0.04%); highest among the groups gnomAD compares: Non-Finnish European, 0.052%; no homozygotes.

Submission:

CeGaT Center for Human Genetics Tuebingen
Classification: Likely benign. Last evaluated: 2022-03-01. Review status: criteria provided, single submitter. Criteria: CeGaT Center For Human Genetics Tuebingen Variant Classification Criteria Version 2. Collection method: clinical testing. Allele origin: germline. Affected: yes. Observed: 1 variant allele.
Comment: SH3TC1: BP4, BP7